The following is an entry in ClinVar:

NM_152618.3(BBS12):c.1855A>G (p.Ile619Val)

Gene: BBS12 (Bardet-Biedl syndrome 12; plus strand). Cytogenetic location: 4q27.
Variant type: single nucleotide variant.
Coding change: c.1855A>G on transcript NM_152618.3 (MANE Select); coding-DNA position 1855, A replaced by G.
Protein change: p.Ile619Val; replaces isoleucine 619 with valine.
Molecular consequence: missense variant.
Genome position (GRCh38, 1-based): chr4:122,743,747, A>G. VCF-style: chr4-122743747-A-G. GRCh37 (hg19) VCF-style: chr4-123664902-A-G.
Other names: c.1855A>G, p.Ile619Val (NM_001178007.2); short protein forms I619V.
Identifiers: ClinVar variation 2014221 (VCV002014221.4), dbSNP rs2485078265, ClinGen allele CA358226024.

ClinVar aggregate classification (germline): Uncertain significance (1 of 4 stars; one submission).

Conditions:
Bardet-Biedl syndrome (BBS). Identifiers: Orphanet 110, MedGen C0752166, MONDO:0015229.

Submission:

Labcorp Genetics (formerly Invitae), Labcorp
Classification: Uncertain significance for Bardet-Biedl syndrome. Last evaluated: 2022-09-13. Review status: criteria provided, single submitter. Criteria: Invitae Variant Classification Sherloc (09022015). Collection method: clinical testing. Allele origin: germline.
Comment: In summary, the available evidence is currently insufficient to determine the role of this variant in disease. Therefore, it has been classified as a Variant of Uncertain Significance. Advanced modeling of protein sequence and biophysical properties (such as structural, functional, and spatial information, amino acid conservation, physicochemical variation, residue mobility, and thermodynamic stability) performed at Invitae indicates that this missense variant is not expected to disrupt BBS12 protein function. This variant has not been reported in the literature in individuals affected with BBS12-related conditions. This variant is not present in population databases (gnomAD no frequency). This sequence change replaces isoleucine, which is neutral and non-polar, with valine, which is neutral and non-polar, at codon 619 of the BBS12 protein (p.Ile619Val).